The following is an entry in ClinVar:

NM_000051.4(ATM):c.5278A>G (p.Met1760Val)

Gene: ATM (ATM serine/threonine kinase; plus strand). Cytogenetic location: 11q22.3.
Variant type: single nucleotide variant.
Coding change: c.5278A>G on transcript NM_000051.4 (MANE Select); coding-DNA position 5278, A replaced by G.
Protein change: p.Met1760Val; replaces methionine 1760 with valine.
Molecular consequence: missense variant.
Genome position (GRCh38, 1-based): chr11:108,301,748, A>G. VCF-style: chr11-108301748-A-G. GRCh37 (hg19) VCF-style: chr11-108172475-A-G.
Other names: c.5278A>G, p.Met1760Val (NM_001351834.2); short protein forms M1760V.
Identifiers: ClinVar variation 233341 (VCV000233341.45), dbSNP rs151327241, ClinGen allele CA6265668.

ClinVar aggregate classification (germline): Uncertain significance. Review status: criteria provided, multiple submitters, no conflicts (2 of 4 stars). 17 submissions from 17 submitters: Uncertain significance (15). 2 of the submissions do not count toward it. Last evaluated 2026-05-12.

Conditions:
ATM-related disorder. Also called: ATM-related disorders; ATM-related condition.
Hereditary cancer. Identifiers: MedGen C1333600.
Breast and/or ovarian cancer. Identifiers: MedGen CN221562.
Ataxia-telangiectasia syndrome (AT). Also called: Cerebello-oculocutaneous telangiectasia; Immunodeficiency with ataxia telangiectasia; ATAXIA-TELANGIECTASIA, COMPLEMENTATION GROUP A; ATAXIA-TELANGIECTASIA, FRESNO VARIANT; Ataxia-telangiectasia; Ataxia-telangiectasia, complementation group E. Identifiers: Orphanet 100, MedGen C0004135, MONDO:0008840, OMIM 208900.
Familial cancer of breast. Also called: hereditary breast carcinoma; BREAST CANCER, FAMILIAL; Hereditary breast cancer. Identifiers: Orphanet 227535, MedGen C0346153, MONDO:0016419, OMIM 114480. Disease mechanism: loss of function.
Hereditary cancer-predisposing syndrome. Also called: Neoplastic Syndromes, Hereditary; Tumor predisposition; Hereditary Cancer Syndrome; Hereditary neoplastic syndrome. Identifiers: Orphanet 140162, MedGen C0027672, MeSH D009386, MONDO:0015356.
Malignant tumor of breast. Also called: Malignant breast neoplasm; Cancer breast. Identifiers: MedGen C0006142, MONDO:0007254. Disease mechanism: loss of function.

Allele frequency attached by ClinVar (database versions not stated): ExAC 0.00002; gnomAD exomes 0.00002 and 0.00003; gnomAD 0.00004; TOPMed 0.00006; ESP Exome Variant Server 0.00008.

Submissions 1 to 11 of 17:

PreventionGenetics, part of Exact Sciences
Classification: Uncertain significance for ATM-related condition. Last evaluated: 2026-05-12. Review status: criteria provided, single submitter. Criteria: ACMG Guidelines, 2015. Collection method: clinical testing. Allele origin: germline.
Comment: The ATM c.5278A>G variant is predicted to result in the amino acid substitution p.Met1760Val. This variant has been reported as uncertain in an individual with colorectal cancer (eTable 2, Pearlman et al. 2017. PubMed ID: 27978560), in an individual with melanoma and thyroid cancer who had a family history of cancer (Patient 1180 in Table S4, Bhai et al. 2021. PubMed ID: 34326862), in another individual with melanoma who also had lymphoma and a family history of cancer (Table S2, Dalmasso et al. 2021. PubMed ID: 34262154), and in another individual with chronic lymphocytic leukemia (Table S6, Lampson et al. 2022. PubMed ID: 36315919). This variant is reported in 0.0040% of alleles in individuals of African descent in gnomAD and is interpreted as uncertain in ClinVar (Variation ID: 233341). At this time, the clinical significance of this variant is uncertain due to the absence of conclusive functional and genetic evidence.

St. Jude Molecular Pathology, St. Jude Children's Research Hospital
Classification: Uncertain significance for Ataxia-telangiectasia syndrome. Last evaluated: 2026-02-11. Review status: criteria provided, single submitter. Criteria: St. Jude Assertion Criteria 2020. Collection method: clinical testing. Allele origin: germline.
Comment: The ATM c.5278A>G p.(Met1760Val) missense change has a maximum subpopulation frequency of 0.004% in gnomAD v2.1.1 (The in silico tool REVEL is inconclusive about a pathogenic or benign effect of this variant on protein function, and to our knowledge functional studies have not been performed. To our knowledge, this variant has not been reported in individuals with ataxia telangiectasia. In summary, the evidence currently available is insufficient to determine the clinical significance of this variant. It has therefore been classified as of uncertain significance.

Ambry Genetics
Classification: Uncertain significance for Hereditary cancer-predisposing syndrome. Last evaluated: 2025-10-08. Review status: criteria provided, single submitter. Criteria: Ambry Variant Classification Scheme 2023. Collection method: clinical testing. Allele origin: germline.
Comment: The p.M1760V variant (also known as c.5278A>G), located in coding exon 34 of the ATM gene, results from an A to G substitution at nucleotide position 5278. The methionine at codon 1760 is replaced by valine, an amino acid with highly similar properties. This alteration was identified in 1/57 cases and in 0/1358 non-cancer control individuals, in a study looking at cancer predisposition mutations in patients with cutaneous melanoma and a history of at least two additional non-cutaneous melanoma primary cancers. This individual had a personal history of cutaneous melanoma, prostate cancer, and lymphoma (Pritchard AL et al. PLoS One, 2018 Apr;13:e0194098). This alteration has also been identified in an individual from a North American cohort of individuals with early onset colon cancer (Pearlman R et al. JAMA Oncol, 2017 Apr;3:464-471). In another study, this variant was reported in 3/60,466 breast cancer cases as well as 3/53,461 controls (Dorling et al. N Engl J Med. 2021 02;384:428-439). This amino acid position is well conserved in available vertebrate species. In addition, the in silico prediction for this alteration is inconclusive. Since supporting evidence is limited at this time, the clinical significance of this alteration remains unclear.

GeneDx
Classification: Uncertain significance. Last evaluated: 2025-09-15. Review status: criteria provided, single submitter. Criteria: GeneDx Variant Classification Process June 2021. Collection method: clinical testing. Allele origin: germline. Affected: yes.
Comment: Not observed at significant frequency in large population cohorts (gnomAD); In silico analysis suggests that this missense variant does not alter protein structure/function; Observed in individuals with a personal or family history of breast, colorectal, prostate, and other cancers, as well as in unaffected control groups (PMID: 27978560, 29641532, 31784482, 33471991, 34262154, 34326862, 40950448); This variant is associated with the following publications: (PMID: 27150160, 27978560, 31784482, 29641532, 30306255, 34262154, 33471991, 34326862, 36315919, 40950448, 39541563)

Labcorp Genetics (formerly Invitae), Labcorp
Classification: Uncertain significance for Ataxia-telangiectasia syndrome. Last evaluated: 2025-02-02. Review status: criteria provided, single submitter. Criteria: Invitae Variant Classification Sherloc (09022015). Collection method: clinical testing. Allele origin: germline.
Comment: This sequence change replaces methionine, which is neutral and non-polar, with valine, which is neutral and non-polar, at codon 1760 of the ATM protein (p.Met1760Val). This variant is present in population databases (rs151327241, gnomAD 0.003%). This missense change has been observed in individual(s) with colon cancer, melanoma, and breast or ovarian cancer (PMID: 27978560, 30306255, 31784482, 34262154). ClinVar contains an entry for this variant (Variation ID: 233341). Invitae Evidence Modeling of protein sequence and biophysical properties (such as structural, functional, and spatial information, amino acid conservation, physicochemical variation, residue mobility, and thermodynamic stability) indicates that this missense variant is not expected to disrupt ATM protein function with a negative predictive value of 95%. In summary, the available evidence is currently insufficient to determine the role of this variant in disease. Therefore, it has been classified as a Variant of Uncertain Significance.

Mendelics
Classification: Uncertain significance for Hereditary cancer. Last evaluated: 2024-08-12. Review status: criteria provided, single submitter. Criteria: ACMG Guidelines, 2015. Collection method: clinical testing. Allele origin: unknown.

Quest Diagnostics Nichols Institute San Juan Capistrano
Classification: Uncertain significance. Last evaluated: 2024-04-14. Review status: criteria provided, single submitter. Criteria: Quest Diagnostics criteria. Collection method: clinical testing. Allele origin: unknown.

Blueprint Genetics
Classification: Uncertain significance. Last evaluated: 2024-03-01. Review status: criteria provided, single submitter. Criteria: ACMG Guidelines, 2015. Collection method: clinical testing. Allele origin: germline.

Color Diagnostics, LLC DBA Color Health
Classification: Uncertain significance for Hereditary cancer-predisposing syndrome. Last evaluated: 2024-02-12. Review status: criteria provided, single submitter. Criteria: ACMG Guidelines, 2015. Collection method: clinical testing. Allele origin: germline.
Comment: This missense variant replaces methionine with valine at codon 1760 of the ATM protein. Computational prediction suggests that this variant may not impact protein structure and function. To our knowledge, functional studies have not been reported for this variant. In a large international case-control study, this variant was reported in 3/60466 breast cancer cases and 3/53461 controls (PMID: 33471991). This variant has been reported in an individual affected with cancer of the cecum and melanoma (PMID: 27978560, 34262154). This variant has been identified in 6/282536 chromosomes in the general population by the Genome Aggregation Database (gnomAD). The available evidence is insufficient to determine the role of this variant in disease conclusively. Therefore, this variant is classified as a Variant of Uncertain Significance.

Baylor Genetics
Classification: Uncertain significance for Familial cancer of breast. Last evaluated: 2023-11-28. Review status: criteria provided, single submitter. Criteria: ACMG Guidelines, 2015. Collection method: clinical testing. Allele origin: unknown.

CHEO Genetics Diagnostic Laboratory, Children's Hospital of Eastern Ontario
Classification: Uncertain significance for Breast and/or ovarian cancer. Last evaluated: 2023-06-01. Review status: criteria provided, single submitter. Criteria: ACMG Guidelines, 2015. Collection method: clinical testing. Allele origin: germline.